The following is an entry in ClinVar:

ClinVar aggregate classification (germline): Uncertain significance (1 of 4 stars; one submission).

gnomAD v4.1: 2 of 1,608,564 alleles (0.00012%); highest among the groups gnomAD compares: South Asian, 0.0011%; no homozygotes.

Submission:

Labcorp Genetics (formerly Invitae), Labcorp
Classification: Uncertain significance. Last evaluated: 2024-01-15. Review status: criteria provided, single submitter. Criteria: Invitae Variant Classification Sherloc (09022015). Collection method: clinical testing. Allele origin: germline.
Comment: This sequence change replaces glutamic acid, which is acidic and polar, with glutamine, which is neutral and polar, at codon 183 of the PLG protein (p.Glu183Gln). This variant also falls at the last nucleotide of exon 5, which is part of the consensus splice site for this exon. This variant is not present in population databases (gnomAD no frequency). This variant has not been reported in the literature in individuals affected with PLG-related conditions. An algorithm developed to predict the effect of missense changes on protein structure and function (PolyPhen-2) suggests that this variant is likely to be tolerated. Variants that disrupt the consensus splice site are a relatively common cause of aberrant splicing (PMID: 17576681, 9536098). Algorithms developed to predict the effect of sequence changes on RNA splicing suggest that this variant may disrupt the consensus splice site. In summary, the available evidence is currently insufficient to determine the role of this variant in disease. Therefore, it has been classified as a Variant of Uncertain Significance.

Literature cited by the submitters: PubMed 17576681; PubMed 9536098.

NM_000301.5(PLG):c.547G>C (p.Glu183Gln)

Gene: PLG (plasminogen; plus strand). Cytogenetic location: 6q26.
Variant type: single nucleotide variant.
Coding change: c.547G>C on transcript NM_000301.5 (MANE Select); coding-DNA position 547, G replaced by C.
Protein change: p.Glu183Gln; replaces glutamic acid 183 with glutamine.
Molecular consequence: missense variant.
Genome position (GRCh38, 1-based): chr6:160,713,125, G>C. VCF-style: chr6-160713125-G-C. GRCh37 (hg19) VCF-style: chr6-161134157-G-C.
Other names: short protein forms E183Q.
Identifiers: ClinVar variation 2704884 (VCV002704884.3), dbSNP rs2484330912, ClinGen allele CA366361908.